The following is an entry in ClinVar:

NM_007294.4(BRCA1):c.5299T>C (p.Cys1767Arg)

Gene: BRCA1 (BRCA1 DNA repair associated; minus strand). Cytogenetic location: 17q21.31.
Variant type: single nucleotide variant.
Coding change: c.5299T>C on transcript NM_007294.4 (MANE Select); coding-DNA position 5299, T replaced by C.
Protein change: p.Cys1767Arg; replaces cysteine 1767 with arginine.
Molecular consequence: missense variant. On other transcripts: non-coding transcript variant (1).
Genome position (GRCh38, 1-based): chr17:43,051,096, A>G on the plus strand (T>C on the coding strand, the complement: BRCA1 is on the minus strand). VCF-style: chr17-43051096-A-G. GRCh37 (hg19) VCF-style: chr17-41203113-A-G.
Other names: c.1915T>C, p.Cys639Arg (NM_001408410.1); c.1912T>C, p.Cys638Arg (NM_001408411.1); c.1909T>C, p.Cys637Arg (NM_001408412.1, NM_001408413.1, NM_001408414.1 and 2 more transcripts); c.1867T>C, p.Cys623Arg (NM_001408427.1, NM_001408428.1, NM_001408429.1 and 4 more transcripts); c.1864T>C, p.Cys622Arg (NM_001408432.1, NM_001408433.1, NM_001408434.1 and 10 more transcripts); c.1861T>C, p.Cys621Arg (NM_001408446.1, NM_001408447.1, NM_001408448.1 and 2 more transcripts); c.1855T>C, p.Cys619Arg (NM_001408451.1); c.1849T>C, p.Cys617Arg (NM_001408452.1, NM_001408453.1, NM_001408454.1 and 3 more transcripts); and 72 more; short protein forms C1767R, C1720R, C1788R, C663R, C1470R, C1598R, C1613R, C1654R.
Identifiers: ClinVar variation 630918 (VCV000630918.14), dbSNP rs1567760645, ClinGen allele CA10590951.

ClinVar aggregate classification (germline): Uncertain significance. Review status: criteria provided, multiple submitters, no conflicts (2 of 4 stars). 3 submissions from 3 submitters: Uncertain significance (3). Last evaluated 2025-05-14.

Conditions:
Hereditary breast ovarian cancer syndrome. Also called: Hereditary breast and ovarian cancer syndrome (HBOC); Hereditary breast and ovarian cancer; BRCA1- and BRCA2-Associated Hereditary Breast and Ovarian Cancer; Breast and ovarian cancer; Hereditary breast and ovarian cancer syndrome; Hereditary breast and/or ovarian cancer syndrome. Identifiers: Orphanet 145, MedGen C0677776, MeSH D061325, MONDO:0003582. Disease mechanism: loss of function.
Hereditary cancer-predisposing syndrome. Also called: Hereditary neoplastic syndrome; Tumor predisposition; Hereditary Cancer Syndrome; Neoplastic Syndromes, Hereditary. Identifiers: Orphanet 140162, MedGen C0027672, MeSH D009386, MONDO:0015356.

Submissions (4):

Ambry Genetics
Classification: Uncertain significance for Hereditary cancer-predisposing syndrome. Last evaluated: 2025-05-14. Review status: criteria provided, single submitter. Criteria: Ambry Variant Classification Scheme 2023. Collection method: clinical testing. Allele origin: germline.
Comment: The p.C1767R variant (also known as c.5299T>C), located in coding exon 19 of the BRCA1 gene, results from a T to C substitution at nucleotide position 5299. The cysteine at codon 1767 is replaced by arginine, an amino acid with highly dissimilar properties. One functional study found that this nucleotide substitution to have intermediate function in a high throughput genome editing haploid cell survival assay (Findlay GM et al. Nature. 2018 10;562:217-222). In another functional study, this variant was non-functional in homology directed repair, but had an intermediate impact as assessed by cisplatin resistance (Adamovich AI et al. Am J Hum Genet. 2022 Apr;109(4):618-630). This amino acid position is well conserved in available vertebrate species. In addition, this alteration is predicted to be deleterious by in silico analysis. Based on the available evidence, the clinical significance of this variant remains unclear.

Labcorp Genetics (formerly Invitae), Labcorp
Classification: Uncertain significance for Hereditary breast ovarian cancer syndrome. Last evaluated: 2023-12-31. Review status: criteria provided, single submitter. Criteria: Invitae Variant Classification Sherloc (09022015). Collection method: clinical testing. Allele origin: germline.
Comment: This sequence change replaces cysteine, which is neutral and slightly polar, with arginine, which is basic and polar, at codon 1767 of the BRCA1 protein (p.Cys1767Arg). This variant is not present in population databases (gnomAD no frequency). This variant has not been reported in the literature in individuals affected with BRCA1-related conditions. ClinVar contains an entry for this variant (Variation ID: 630918). Advanced modeling of protein sequence and biophysical properties (such as structural, functional, and spatial information, amino acid conservation, physicochemical variation, residue mobility, and thermodynamic stability) performed at Invitae indicates that this missense variant is expected to disrupt BRCA1 protein function with a positive predictive value of 95%. In summary, the available evidence is currently insufficient to determine the role of this variant in disease. Therefore, it has been classified as a Variant of Uncertain Significance.

Color Diagnostics, LLC DBA Color Health
Classification: Uncertain significance for Hereditary cancer-predisposing syndrome. Last evaluated: 2019-06-16. Review status: criteria provided, single submitter. Criteria: ACMG Guidelines, 2015. Collection method: clinical testing. Allele origin: germline.

Brotman Baty Institute, University of Washington
No classification provided (evidence only). Condition: Breast-ovarian cancer, familial 1. Review status: no classification provided. Collection method: in vitro. Allele origin: not applicable. Functional consequence: function_uncertain_variant. Not counted in ClinVar's aggregate classification.
ClinVar note: "not provided" was previously submitted as the classification for the variant. However, the classification appeared to be based only on an observation of functional data so it was converted to no classification on 2025-07-30.

Literature cited by the submitters: PubMed 30209399 (cited by Ambry Genetics); PubMed 35196514 (cited by Ambry Genetics).